The following is an entry in ClinVar:

ClinVar aggregate classification (germline): Uncertain significance. Review status: criteria provided, multiple submitters, no conflicts (2 of 4 stars). 3 submissions from 3 submitters: Uncertain significance (3). Last evaluated 2025-07-17.

Conditions:
Hereditary cancer-predisposing syndrome. Also called: Neoplastic Syndromes, Hereditary; Tumor predisposition; Hereditary neoplastic syndrome; Hereditary Cancer Syndrome. Identifiers: Orphanet 140162, MedGen C0027672, MeSH D009386, MONDO:0015356.
Familial adenomatous polyposis 1 (FAP1). Also called: FAMILIAL ADENOMATOUS POLYPOSIS 1, ATTENUATED; POLYPOSIS, ADENOMATOUS INTESTINAL. Identifiers: MedGen C2713442, MONDO:0021056, OMIM 175100. Disease mechanism: loss of function.

Submissions (3):

Ambry Genetics
Classification: Uncertain significance for Hereditary cancer-predisposing syndrome. Last evaluated: 2025-07-17. Review status: criteria provided, single submitter. Criteria: Ambry Variant Classification Scheme 2023. Collection method: clinical testing. Allele origin: germline.
Comment: The p.H2116Q variant (also known as c.6348T>G), located in coding exon 15 of the APC gene, results from a T to G substitution at nucleotide position 6348. The histidine at codon 2116 is replaced by glutamine, an amino acid with highly similar properties. This amino acid position is well conserved in available vertebrate species. In addition, in silico predictors for this gene do not accurately predict pathogenicity. Missense alterations in APC are not a common cause of disease (Spier I et al. Genet Med. 2024 Feb;26(2):100992). Based on the available evidence, the clinical significance of this variant remains unclear.

Labcorp Genetics (formerly Invitae), Labcorp
Classification: Uncertain significance for Familial adenomatous polyposis 1. Last evaluated: 2024-03-02. Review status: criteria provided, single submitter. Criteria: Invitae Variant Classification Sherloc (09022015). Collection method: clinical testing. Allele origin: germline.
Comment: This sequence change replaces histidine, which is basic and polar, with glutamine, which is neutral and polar, at codon 2116 of the APC protein (p.His2116Gln). This variant is not present in population databases (gnomAD no frequency). This variant has not been reported in the literature in individuals affected with APC-related conditions. ClinVar contains an entry for this variant (Variation ID: 580616). Advanced modeling of protein sequence and biophysical properties (such as structural, functional, and spatial information, amino acid conservation, physicochemical variation, residue mobility, and thermodynamic stability) performed at Invitae indicates that this missense variant is not expected to disrupt APC protein function with a negative predictive value of 95%. In summary, the available evidence is currently insufficient to determine the role of this variant in disease. Therefore, it has been classified as a Variant of Uncertain Significance.

Color Diagnostics, LLC DBA Color Health
Classification: Uncertain significance for Hereditary cancer-predisposing syndrome. Last evaluated: 2019-09-25. Review status: criteria provided, single submitter. Criteria: ACMG Guidelines, 2015. Collection method: clinical testing. Allele origin: germline.
Comment: This missense variant replaces histidine with glutamine at codon 2116 of the APC protein. Computational prediction tool is inconclusive regarding the impact of this variant on protein structure and function (internally defined REVEL score threshold 0.5 < inconclusive < 0.7, PMID: 27666373). Splice site prediction tools suggest that this variant may not impact RNA splicing. To our knowledge, functional studies have not been performed for this variant. This variant has not been reported in individuals affected with hereditary cancer in the literature. This variant has not been identified in the general population by the Genome Aggregation Database (gnomAD). The available evidence is insufficient to determine the role of this variant in disease conclusively. Therefore, this variant is classified as a Variant of Uncertain Significance.

NM_000038.6(APC):c.6348T>G (p.His2116Gln)

Gene: APC (APC regulator of Wnt signaling pathway; plus strand). Cytogenetic location: 5q22.2.
Variant type: single nucleotide variant.
Coding change: c.6348T>G on transcript NM_000038.6 (MANE Select); coding-DNA position 6348, T replaced by G.
Protein change: p.His2116Gln; replaces histidine 2116 with glutamine.
Molecular consequence: missense variant.
Genome position (GRCh38, 1-based): chr5:112,841,942, T>G. VCF-style: chr5-112841942-T-G. GRCh37 (hg19) VCF-style: chr5-112177639-T-G.
Other names: c.6348T>G, p.His2116Gln (NM_001127510.3, NM_001354895.2); c.6294T>G, p.His2098Gln (NM_001127511.3); c.6402T>G, p.His2134Gln (NM_001354896.2); c.6378T>G, p.His2126Gln (NM_001354897.2); c.6273T>G, p.His2091Gln (NM_001354898.2); c.6264T>G, p.His2088Gln (NM_001354899.2); c.6225T>G, p.His2075Gln (NM_001354900.2); c.6171T>G, p.His2057Gln (NM_001354901.2); and 5 more; short protein forms H2116Q, H2098Q, H2057Q, H1956Q, H1990Q, H2015Q, H2075Q, H2091Q.
Identifiers: ClinVar variation 580616 (VCV000580616.14), dbSNP rs1346330298, ClinGen allele CA16035236.